The following is an entry in ClinVar:

NM_016169.4(SUFU):c.130C>T (p.Leu44Phe)

Gene: SUFU (SUFU negative regulator of hedgehog signaling; plus strand). Cytogenetic location: 10q24.32.
Variant type: single nucleotide variant.
Coding change: c.130C>T on transcript NM_016169.4 (MANE Select); coding-DNA position 130, C replaced by T.
Protein change: p.Leu44Phe; replaces leucine 44 with phenylalanine.
Molecular consequence: missense variant.
Genome position (GRCh38, 1-based): chr10:102,504,282, C>T. VCF-style: chr10-102504282-C-T. GRCh37 (hg19) VCF-style: chr10-104264039-C-T.
Other names: c.130C>T, p.Leu44Phe (NM_001178133.2); short protein forms L44F.
Identifiers: ClinVar variation 1769625 (VCV001769625.7), dbSNP rs2062292732, ClinGen allele CA377886579.

ClinVar aggregate classification (germline): Uncertain significance. Review status: criteria provided, multiple submitters, no conflicts (2 of 4 stars). 3 submissions from 3 submitters: Uncertain significance (3). Last evaluated 2025-02-03.

Conditions:
Hereditary cancer-predisposing syndrome. Also called: Tumor predisposition; Neoplastic Syndromes, Hereditary; Hereditary Cancer Syndrome; Hereditary neoplastic syndrome. Identifiers: Orphanet 140162, MedGen C0027672, MeSH D009386, MONDO:0015356.
Gorlin syndrome. Also called: Nevoid Basal Cell Carcinoma Syndrome; Basal cell nevus syndrome. Identifiers: Orphanet 377, MedGen C0004779, MONDO:0007187.
Medulloblastoma (MDB). Also called: MEDULLOBLASTOMA PREDISPOSITION SYNDROME; Medulloblastoma, somatic. Identifiers: Orphanet 616, MedGen C0025149, MeSH D008527, MONDO:0007959, OMIM 155255, HP:0002885.

Allele frequency attached by ClinVar (database versions not stated): TOPMed 0.00001.
gnomAD v4.1: 1 of 1,614,118 alleles (0.000062%); highest among the groups gnomAD compares: Non-Finnish European, 0.000085%; no homozygotes.

Submissions (3):

Ambry Genetics
Classification: Uncertain significance for Hereditary cancer-predisposing syndrome. Last evaluated: 2025-02-03. Review status: criteria provided, single submitter. Criteria: Ambry Variant Classification Scheme 2023. Collection method: clinical testing. Allele origin: germline.
Comment: The p.L44F variant (also known as c.130C>T), located in coding exon 1 of the SUFU gene, results from a C to T substitution at nucleotide position 130. The leucine at codon 44 is replaced by phenylalanine, an amino acid with highly similar properties. This amino acid position is highly conserved in available vertebrate species. In addition, this alteration is predicted to be deleterious by in silico analysis. Since supporting evidence is limited at this time, the clinical significance of this alteration remains unclear.

GeneDx
Classification: Uncertain significance. Last evaluated: 2024-12-04. Review status: criteria provided, single submitter. Criteria: GeneDx Variant Classification Process June 2021. Collection method: clinical testing. Allele origin: germline. Affected: yes.
Comment: Not observed at significant frequency in large population cohorts (gnomAD); In silico analysis indicates that this missense variant does not alter protein structure/function; Has not been previously published as pathogenic or benign to our knowledge; This variant is associated with the following publications: (PMID: 24311597)

Labcorp Genetics (formerly Invitae), Labcorp
Classification: Uncertain significance for Gorlin syndrome; Medulloblastoma. Last evaluated: 2024-02-13. Review status: criteria provided, single submitter. Criteria: Invitae Variant Classification Sherloc (09022015). Collection method: clinical testing. Allele origin: germline.
Comment: This sequence change replaces leucine, which is neutral and non-polar, with phenylalanine, which is neutral and non-polar, at codon 44 of the SUFU protein (p.Leu44Phe). This variant is not present in population databases (gnomAD no frequency). This variant has not been reported in the literature in individuals affected with SUFU-related conditions. ClinVar contains an entry for this variant (Variation ID: 1769625). Advanced modeling of protein sequence and biophysical properties (such as structural, functional, and spatial information, amino acid conservation, physicochemical variation, residue mobility, and thermodynamic stability) performed at Invitae indicates that this missense variant is not expected to disrupt SUFU protein function with a negative predictive value of 80%. In summary, the available evidence is currently insufficient to determine the role of this variant in disease. Therefore, it has been classified as a Variant of Uncertain Significance.